The following is an entry in ClinVar:

ClinVar aggregate classification (germline): Conflicting classifications of pathogenicity. Review status: criteria provided, conflicting classifications (1 of 4 stars). 3 submissions from 3 submitters: Uncertain significance (1); Likely benign (2). Last evaluated 2024-09-10.

Conditions:
Autosomal dominant aplasia and myelodysplasia. Also called: Bone marrow failure syndrome 1. Identifiers: Orphanet 314399, MedGen C3808553, MONDO:0013851, OMIM 614675.

Allele frequency attached by ClinVar (database versions not stated): ExAC 0.00002; gnomAD exomes 0.00002.
gnomAD v4.1: 6 of 1,557,020 alleles (0.00039%); highest among the groups gnomAD compares: Non-Finnish European, 0.00053%; no homozygotes.

Submissions (3):

Blueprint Genetics
Classification: Likely benign. Last evaluated: 2024-09-10. Review status: criteria provided, single submitter. Criteria: ACMG Guidelines, 2015. Collection method: clinical testing. Allele origin: germline.

Fulgent Genetics
Classification: Uncertain significance for Autosomal dominant aplasia and myelodysplasia. Last evaluated: 2024-04-12. Review status: criteria provided, single submitter. Criteria: ACMG Guidelines, 2015. Collection method: clinical testing. Allele origin: germline.

Illumina Laboratory Services, Illumina
Classification: Likely benign for Autosomal dominant aplasia and myelodysplasia. Last evaluated: 2018-01-13. Review status: criteria provided, single submitter. Criteria: ICSL Variant Classification Criteria 13 December 2019. Collection method: clinical testing. Allele origin: germline.
Comment: This variant was observed in the ICSL laboratory as part of a predisposition screen in an ostensibly healthy population. It had not been previously curated by ICSL or reported in the Human Gene Mutation Database (HGMD: prior to June 1st, 2018), and was therefore a candidate for classification through an automated scoring system. Utilizing variant allele frequency, disease prevalence and penetrance estimates, and inheritance mode, an automated score was calculated to assess if this variant is too frequent to cause the disease. Based on the score and internal cut-off values, a variant classified as likely benign is not then subjected to further curation. The score for this variant resulted in a classification of likely benign for this disease.

NM_006947.4(SRP72):c.1225-6G>A

Gene: SRP72 (signal recognition particle 72; plus strand). Cytogenetic location: 4q12.
Variant type: single nucleotide variant.
Coding change: c.1225-6G>A on transcript NM_006947.4 (MANE Select); 6 bases into the intron before coding-DNA position 1225, G replaced by A.
Molecular consequence: intron variant.
Genome position (GRCh38, 1-based): chr4:56,489,382, G>A. VCF-style: chr4-56489382-G-A. GRCh37 (hg19) VCF-style: chr4-57355548-G-A.
Other names: c.1225-6G>A (LRG_1151t1); c.1042-6G>A (NM_001267722.2).
Identifiers: ClinVar variation 349126 (VCV000349126.7), dbSNP rs752594366, ClinGen allele CA2931314.